The following is an entry in ClinVar:

NM_001110556.2(FLNA):c.4465G>C (p.Gly1489Arg)

Gene: FLNA (filamin A; minus strand). Cytogenetic location: Xq28.
Variant type: single nucleotide variant.
Coding change: c.4465G>C on transcript NM_001110556.2 (MANE Select); coding-DNA position 4465, G replaced by C.
Protein change: p.Gly1489Arg; replaces glycine 1489 with arginine.
Molecular consequence: missense variant.
Genome position (GRCh38, 1-based): chrX:154,358,993, C>G on the plus strand (G>C on the coding strand, the complement: FLNA is on the minus strand). VCF-style: chrX-154358993-C-G. GRCh37 (hg19) VCF-style: chrX-153587361-C-G.
Other names: c.4465G>C, p.Gly1489Arg (NM_001456.4); short protein forms G1489R.
Identifiers: ClinVar variation 642859 (VCV000642859.12), dbSNP rs782276039, ClinGen allele CA415216174.

ClinVar aggregate classification (germline): Uncertain significance. Review status: criteria provided, multiple submitters, no conflicts (2 of 4 stars). 2 submissions from 2 submitters: Uncertain significance (2). Last evaluated 2026-01-27.

Conditions:
Heterotopia, periventricular, X-linked dominant (PVNH1). Also called: PERIVENTRICULAR NODULAR HETEROTOPIA 4; HETEROTOPIA, PERIVENTRICULAR, 1; PERIVENTRICULAR NODULAR HETEROTOPIA 1; X-linked periventricular heterotopia. Identifiers: Orphanet 2149, Orphanet 82004, MedGen C1848213, MONDO:0010233, OMIM 300049.
Oto-palato-digital syndrome, type II (OPD2). Also called: Otopalatodigital Syndrome, Type II; FACIOPALATOOSSEOUS SYNDROME; OPD II SYNDROME; Otopalatodigital Syndrome Type 2 (FLNA-OPD2). Identifiers: Orphanet 669, Orphanet 90652, MedGen C1844696, MONDO:0010571, OMIM 304120.
Melnick-Needles syndrome (MNS). Also called: MELNICK-NEEDLES OSTEODYSPLASTY; OSTEODYSPLASTY OF MELNICK AND NEEDLES; Melnick-Needles Syndrome (FLNA-MNS). Identifiers: Orphanet 2484, MedGen C0025237, MONDO:0010650, OMIM 309350.
Frontometaphyseal dysplasia (FMD1). Identifiers: Orphanet 1826, MedGen C0265293, MONDO:0015942.
Familial thoracic aortic aneurysm and aortic dissection (TAAD). Also called: Thoracic aortic aneurysms and dissections. Identifiers: Orphanet 91387, MedGen C4707243, MONDO:0019625.

Submissions (2):

Labcorp Genetics (formerly Invitae), Labcorp
Classification: Uncertain significance for Oto-palato-digital syndrome, type II; Heterotopia, periventricular, X-linked dominant; Frontometaphyseal dysplasia; Melnick-Needles syndrome. Last evaluated: 2026-01-27. Review status: criteria provided, single submitter. Criteria: Invitae Variant Classification Sherloc (09022015). Collection method: clinical testing. Allele origin: germline.
Comment: This sequence change replaces glycine, which is neutral and non-polar, with arginine, which is basic and polar, at codon 1489 of the FLNA protein (p.Gly1489Arg). This variant is not present in population databases (gnomAD no frequency). This variant has not been reported in the literature in individuals affected with FLNA-related conditions. ClinVar contains an entry for this variant (Variation ID: 642859). Invitae Evidence Modeling of protein sequence and biophysical properties (such as structural, functional, and spatial information, amino acid conservation, physicochemical variation, residue mobility, and thermodynamic stability) indicates that this missense variant is not expected to disrupt FLNA protein function with a negative predictive value of 95%. In summary, the available evidence is currently insufficient to determine the role of this variant in disease. Therefore, it has been classified as a Variant of Uncertain Significance.

Ambry Genetics
Classification: Uncertain significance for Familial thoracic aortic aneurysm and aortic dissection. Last evaluated: 2019-09-29. Review status: criteria provided, single submitter. Criteria: Ambry Variant Classification Scheme 2023. Collection method: clinical testing. Allele origin: germline.
Comment: The p.G1489R variant (also known as c.4465G>C), located in coding exon 25 of the FLNA gene, results from a G to C substitution at nucleotide position 4465. The glycine at codon 1489 is replaced by arginine, an amino acid with dissimilar properties. This amino acid position is highly conserved in available vertebrate species. In addition, this alteration is predicted to be deleterious by in silico analysis. Since supporting evidence is limited at this time, the clinical significance of this alteration remains unclear.